The following is an entry in ClinVar:

NM_006914.4(RORB):c.626T>C (p.Met209Thr)

Gene: RORB (RAR related orphan receptor B; plus strand). Cytogenetic location: 9q21.13.
Variant type: single nucleotide variant.
Coding change: c.626T>C on transcript NM_006914.4 (MANE Select); coding-DNA position 626, T replaced by C.
Protein change: p.Met209Thr; replaces methionine 209 with threonine.
Molecular consequence: missense variant.
Genome position (GRCh38, 1-based): chr9:74,642,804, T>C. VCF-style: chr9-74642804-T-C. GRCh37 (hg19) VCF-style: chr9-77257720-T-C.
Other names: c.659T>C, p.Met220Thr (NM_001365023.1); short protein forms M220T, M209T.
Identifiers: ClinVar variation 2815905 (VCV002815905.3), dbSNP rs775903731, ClinGen allele CA5083403.
Genomic context (GRCh38, chr9:74,642,804, plus strand): 5'-TACCCAACTTGTTTACCTATAGCTCTTTCAACAATGGGCAGTTAGCACCAGGGATAACCA[T>C]GACTGAAATCGGTAAGTGGAAGTCTCCTCCCAGTGGCTTTTTTTGAGATTTTGCTTTGAA-3'
Protein context (NP_008845.2, residues 199-219): NNGQLAPGIT[Met209Thr]TEIDRIAQNI

ClinVar aggregate classification (germline): Uncertain significance (1 of 4 stars; one submission).

Allele frequency attached by ClinVar (database versions not stated): gnomAD exomes below 0.00001; ExAC 0.00001.
gnomAD v4.1: 2 of 1,589,172 alleles (0.00013%); highest among the groups gnomAD compares: South Asian, 0.0023%; no homozygotes.

Submission:

Labcorp Genetics (formerly Invitae), Labcorp
Classification: Uncertain significance. Last evaluated: 2022-12-20. Review status: criteria provided, single submitter. Criteria: Invitae Variant Classification Sherloc (09022015). Collection method: clinical testing. Allele origin: germline.
Comment: This sequence change replaces methionine, which is neutral and non-polar, with threonine, which is neutral and polar, at codon 209 of the RORB protein (p.Met209Thr). This variant is present in population databases (rs775903731, gnomAD no frequency). This variant has not been reported in the literature in individuals affected with RORB-related conditions. Algorithms developed to predict the effect of missense changes on protein structure and function are either unavailable or do not agree on the potential impact of this missense change (SIFT: "Deleterious"; PolyPhen-2: "Benign"; Align-GVGD: "Class C0"). In summary, the available evidence is currently insufficient to determine the role of this variant in disease. Therefore, it has been classified as a Variant of Uncertain Significance.